The following is an entry in ClinVar:

ClinVar aggregate classification (germline): Likely benign. Review status: criteria provided, multiple submitters, no conflicts (2 of 4 stars). 7 submissions from 7 submitters: Likely benign (7). Last evaluated 2025-11-09.

Conditions:
Cardiomyopathy (CMYO). Also called: Cardiomyopathies. Identifiers: Orphanet 167848, MedGen C0878544, MONDO:0004994, HP:0001638. Inheritance: Various modes of inheritance.
Cardiovascular phenotype. Identifiers: MedGen CN230736.
Dilated cardiomyopathy 1DD (CMD1DD). Identifiers: Orphanet 154, MedGen C2750995, MONDO:0013168, OMIM 613172.

Allele frequency attached by ClinVar (database versions not stated): gnomAD exomes 0.00003 and 0.00011; ExAC 0.00005; gnomAD 0.00006 and 0.00007; TOPMed 0.00006; 1000 Genomes Project 30x 0.00031; 1000 Genomes Project 0.00040.

Submissions (7):

Labcorp Genetics (formerly Invitae), Labcorp
Classification: Likely benign for Dilated cardiomyopathy 1DD. Last evaluated: 2025-11-09. Review status: criteria provided, single submitter. Criteria: Invitae Variant Classification Sherloc (09022015). Collection method: clinical testing. Allele origin: germline.

Blueprint Genetics
Classification: Likely benign. Last evaluated: 2024-09-13. Review status: criteria provided, single submitter. Criteria: ACMG Guidelines, 2015. Collection method: clinical testing. Allele origin: germline.

Women's Health and Genetics/Laboratory Corporation of America, LabCorp
Classification: Likely benign. Last evaluated: 2020-12-28. Review status: criteria provided, single submitter. Criteria: LabCorp Variant Classification Summary - May 2015. Collection method: clinical testing. Allele origin: germline.

Ambry Genetics
Classification: Likely benign for Cardiovascular phenotype. Last evaluated: 2020-02-04. Review status: criteria provided, single submitter. Criteria: Ambry Variant Classification Scheme 2023. Collection method: clinical testing. Allele origin: germline.

GeneDx
Classification: Likely benign. Last evaluated: 2019-05-10. Review status: criteria provided, single submitter. Criteria: GeneDx Variant Classification Process June 2021. Collection method: clinical testing. Allele origin: germline. Affected: yes.

CHEO Genetics Diagnostic Laboratory, Children's Hospital of Eastern Ontario
Classification: Likely benign for Cardiomyopathy. Last evaluated: 2017-07-27. Review status: criteria provided, single submitter. Criteria: ACMG Guidelines, 2015. Collection method: clinical testing. Allele origin: germline. Study: Canadian Open Genetics Repository.

Laboratory for Molecular Medicine, Mass General Brigham Personalized Medicine
Classification: Likely benign. Last evaluated: 2016-11-07. Review status: criteria provided, single submitter. Criteria: LMM Criteria. Collection method: clinical testing. Allele origin: germline. Observed: 1 variant allele.
Comment: p.Ala116Ala in exon 2 of RBM20: This variant is not expected to have clinical si gnificance because it does not alter an amino acid residue and is not located wi thin the splice consensus sequence. It has been identified in 1/8764 European ch romosomes by the Exome Aggregation Consortium (ExAC. org; dbSNP rs569709951).

NM_001134363.3(RBM20):c.348C>T (p.Ala116=)

Gene: RBM20 (RNA binding motif protein 20; plus strand). Cytogenetic location: 10q25.2.
Variant type: single nucleotide variant.
Coding change: c.348C>T on transcript NM_001134363.3 (MANE Select); coding-DNA position 348, C replaced by T.
Protein change: p.Ala116=; no amino-acid change (alanine 116 retained).
Molecular consequence: synonymous variant.
Genome position (GRCh38, 1-based): chr10:110,780,957, C>T. VCF-style: chr10-110780957-C-T. GRCh37 (hg19) VCF-style: chr10-112540715-C-T.
Other names: c.348C>T (LRG_382t1).
Identifiers: ClinVar variation 416819 (VCV000416819.21), dbSNP rs569709951, ClinGen allele CA5688504.